The following is an entry in ClinVar:

ClinVar aggregate classification (germline): Uncertain significance (1 of 4 stars; one submission).

Conditions:
Menkes kinky-hair syndrome (MNK). Also called: Classic Menkes Disease; Copper transport disease; Menkes Disease. Identifiers: Orphanet 565, MedGen C0022716, MONDO:0010651, OMIM 309400.
X-linked distal spinal muscular atrophy type 3. Also called: NEURONOPATHY, DISTAL HEREDITARY MOTOR, X-LINKED; NEUROPATHY, DISTAL HEREDITARY MOTOR, X-LINKED; ATP7A-Related Distal Motor Neuropathy; SPINAL MUSCULAR ATROPHY, DISTAL, X-LINKED RECESSIVE. Identifiers: Orphanet 139557, MedGen C1845359, MONDO:0010338, OMIM 300489.
Cutis laxa, X-linked (OHS). Also called: EDS IX; Occipital horn syndrome. Identifiers: Orphanet 198, MedGen C0268353, MONDO:0010572, OMIM 304150.

Submission:

Labcorp Genetics (formerly Invitae), Labcorp
Classification: Uncertain significance for X-linked distal spinal muscular atrophy type 3; Cutis laxa, X-linked; Menkes kinky-hair syndrome. Last evaluated: 2022-05-12. Review status: criteria provided, single submitter. Criteria: Invitae Variant Classification Sherloc (09022015). Collection method: clinical testing. Allele origin: germline.
Comment: In summary, the available evidence is currently insufficient to determine the role of this variant in disease. Therefore, it has been classified as a Variant of Uncertain Significance. Advanced modeling of protein sequence and biophysical properties (such as structural, functional, and spatial information, amino acid conservation, physicochemical variation, residue mobility, and thermodynamic stability) performed at Invitae indicates that this missense variant is not expected to disrupt ATP7A protein function. This variant has not been reported in the literature in individuals affected with ATP7A-related conditions. This variant is not present in population databases (gnomAD no frequency). This sequence change replaces asparagine, which is neutral and polar, with histidine, which is basic and polar, at codon 468 of the ATP7A protein (p.Asn468His).

NM_000052.7(ATP7A):c.1402A>C (p.Asn468His)

Gene: ATP7A (ATPase copper transporting alpha; plus strand). Cytogenetic location: Xq21.1.
Variant type: single nucleotide variant.
Coding change: c.1402A>C on transcript NM_000052.7 (MANE Select); coding-DNA position 1402, A replaced by C.
Protein change: p.Asn468His; replaces asparagine 468 with histidine.
Molecular consequence: missense variant.
Genome position (GRCh38, 1-based): chrX:77,998,543, A>C. VCF-style: chrX-77998543-A-C. GRCh37 (hg19) VCF-style: chrX-77254040-A-C.
Other names: c.1402A>C, p.Asn468His (NM_001282224.2); short protein forms N468H.
Identifiers: ClinVar variation 1968772 (VCV001968772.5), dbSNP rs2522314358, ClinGen allele CA413594831.